The following is an entry in ClinVar:

NM_015178.3(RHOBTB2):c.1788C>T (p.Thr596=)

Gene: RHOBTB2 (Rho related BTB domain containing 2; plus strand). Cytogenetic location: 8p21.3.
Variant type: single nucleotide variant.
Coding change: c.1788C>T on transcript NM_015178.3 (MANE Select); coding-DNA position 1788, C replaced by T.
Protein change: p.Thr596=; no amino-acid change (threonine 596 retained).
Molecular consequence: synonymous variant.
Genome position (GRCh38, 1-based): chr8:23,014,706, C>T. VCF-style: chr8-23014706-C-T. GRCh37 (hg19) VCF-style: chr8-22872219-C-T.
Other names: c.1854C>T, p.Thr618= (NM_001160036.2); c.1809C>T, p.Thr603= (NM_001160037.2); c.1788C>T, p.Thr596= (NM_001374791.1).
Identifiers: ClinVar variation 1950406 (VCV001950406.7), dbSNP rs769134074, ClinGen allele CA173883015.

ClinVar aggregate classification (germline): Likely benign. Review status: criteria provided, multiple submitters, no conflicts (2 of 4 stars). 2 submissions from 2 submitters: Likely benign (2). Last evaluated 2026-05-01.

Allele frequency attached by ClinVar (database versions not stated): TOPMed 0.00002.
gnomAD v4.1: 10 of 1,613,882 alleles (0.00062%); highest among the groups gnomAD compares: Middle Eastern, 0.016%; no homozygotes.

Submissions (2):

CeGaT Center for Human Genetics Tuebingen
Classification: Likely benign. Last evaluated: 2026-05-01. Review status: criteria provided, single submitter. Criteria: CeGaT Center For Human Genetics Tuebingen Variant Classification Criteria Version 2. Collection method: clinical testing. Allele origin: germline. Affected: yes. Observed: 1 variant allele.
Comment: RHOBTB2: BP4, BP7

Labcorp Genetics (formerly Invitae), Labcorp
Classification: Likely benign. Last evaluated: 2023-01-26. Review status: criteria provided, single submitter. Criteria: Invitae Variant Classification Sherloc (09022015). Collection method: clinical testing. Allele origin: germline.